The following is an entry in ClinVar:

NM_032638.5(GATA2):c.1222A>G (p.Lys408Glu)

Gene: GATA2 (GATA binding protein 2; minus strand). Cytogenetic location: 3q21.3.
Variant type: single nucleotide variant.
Coding change: c.1222A>G on transcript NM_032638.5 (MANE Select); coding-DNA position 1222, A replaced by G.
Protein change: p.Lys408Glu; replaces lysine 408 with glutamic acid.
Molecular consequence: missense variant.
Genome position (GRCh38, 1-based): chr3:128,481,240, T>C on the plus strand (A>G on the coding strand, the complement: GATA2 is on the minus strand). VCF-style: chr3-128481240-T-C. GRCh37 (hg19) VCF-style: chr3-128200083-T-C.
Other names: c.1222A>G, p.Lys408Glu (NM_001145661.2); c.1180A>G, p.Lys394Glu (NM_001145662.1); c.1222A>G (NM_032638.4); short protein forms K394E, K408E.
Identifiers: ClinVar variation 1002193 (VCV001002193.10), dbSNP rs1576744467, ClinGen allele CA354413093.

ClinVar aggregate classification (germline): Uncertain significance. Review status: criteria provided, multiple submitters, no conflicts (2 of 4 stars). 3 submissions from 3 submitters: Uncertain significance (3). Last evaluated 2025-05-03.

Conditions:
Inborn genetic diseases. Identifiers: MedGen C0950123, MeSH D030342.
Deafness-lymphedema-leukemia syndrome. Also called: Lymphedema, primary, with myelodysplasia; Emberger syndrome. Identifiers: Orphanet 3226, MedGen C3279664, MONDO:0013540, OMIM 614038.
Monocytopenia with susceptibility to infections. Also called: MONOCYTOPENIA AND MYCOBACTERIAL INFECTION SYNDROME; MONOCYTOPENIA WITH SUSCEPTIBILITY TO MYCOBACTERIAL, FUNGAL, AND PAPILLOMAVIRUS INFECTIONS AND MYELODYSPLASIA; COMBINED IMMUNODEFICIENCY WITH SUSCEPTIBILITY TO MYCOBACTERIAL, VIRAL, AND FUNGAL INFECTIONS; IMMUNODEFICIENCY 21; GATA2 DEFICIENCY; Dendritic cell, monocyte, B lymphocyte, and natural killer lymphocyte deficiency. Identifiers: Orphanet 228423, MedGen C3280030, MONDO:0013607, OMIM 614172.

Allele frequency attached by ClinVar (database versions not stated): gnomAD exomes below 0.00001.
gnomAD v4.1: 1 of 1,614,230 alleles (0.000062%); highest among the groups gnomAD compares: Non-Finnish European, 0.000085%; no homozygotes.

Submissions (3):

Ambry Genetics
Classification: Uncertain significance for Inborn genetic diseases. Last evaluated: 2025-05-03. Review status: criteria provided, single submitter. Criteria: Ambry Variant Classification Scheme 2023. Collection method: clinical testing. Allele origin: germline.
Comment: The p.K408E variant (also known as c.1222A>G), located in coding exon 5 of the GATA2 gene, results from an A to G substitution at nucleotide position 1222. The lysine at codon 408 is replaced by glutamic acid, an amino acid with similar properties. This amino acid position is conserved. In addition, this alteration is predicted to be deleterious by in silico analysis. Based on the available evidence, the clinical significance of this variant remains unclear.

GeneDx
Classification: Uncertain significance. Last evaluated: 2025-03-27. Review status: criteria provided, single submitter. Criteria: GeneDx Variant Classification Process June 2021. Collection method: clinical testing. Allele origin: germline. Affected: yes.
Comment: Not observed at significant frequency in large population cohorts (gnomAD); In silico analysis supports that this missense variant has a deleterious effect on protein structure/function; Has not been previously published as pathogenic or benign to our knowledge

Labcorp Genetics (formerly Invitae), Labcorp
Classification: Uncertain significance for Monocytopenia with susceptibility to infections; Deafness-lymphedema-leukemia syndrome. Last evaluated: 2024-04-23. Review status: criteria provided, single submitter. Criteria: Invitae Variant Classification Sherloc (09022015). Collection method: clinical testing. Allele origin: germline.
Comment: This sequence change replaces lysine, which is basic and polar, with glutamic acid, which is acidic and polar, at codon 408 of the GATA2 protein (p.Lys408Glu). This variant is not present in population databases (gnomAD no frequency). This variant has not been reported in the literature in individuals affected with GATA2-related conditions. ClinVar contains an entry for this variant (Variation ID: 1002193). Advanced modeling of protein sequence and biophysical properties (such as structural, functional, and spatial information, amino acid conservation, physicochemical variation, residue mobility, and thermodynamic stability) has been performed at Invitae for this missense variant, however the output from this modeling did not meet the statistical confidence thresholds required to predict the impact of this variant on GATA2 protein function. In summary, the available evidence is currently insufficient to determine the role of this variant in disease. Therefore, it has been classified as a Variant of Uncertain Significance.